The following is an entry in ClinVar:

ClinVar aggregate classification (germline): Uncertain significance (1 of 4 stars; one submission).

Conditions:
Familial cold autoinflammatory syndrome 4 (FCAS4). Identifiers: Orphanet 47045, Orphanet 576349, MedGen C4015276, MONDO:0014498, OMIM 616115.
Periodic fever-infantile enterocolitis-autoinflammatory syndrome. Also called: Autoinflammation with infantile enterocolitis. Identifiers: Orphanet 436166, MedGen C4015067, MONDO:0014472, OMIM 616050.

Allele frequency attached by ClinVar (database versions not stated): gnomAD 0.00001; TOPMed 0.00001; ExAC 0.00004; 1000 Genomes Project 30x 0.00016; 1000 Genomes Project 0.00020.
gnomAD v4.1: 10 of 1,611,042 alleles (0.00062%); highest among the groups gnomAD compares: East Asian, 0.022%; no homozygotes.

Submission:

Labcorp Genetics (formerly Invitae), Labcorp
Classification: Uncertain significance for Periodic fever-infantile enterocolitis-autoinflammatory syndrome; Familial cold autoinflammatory syndrome 4. Last evaluated: 2025-07-21. Review status: criteria provided, single submitter. Criteria: Invitae Variant Classification Sherloc (09022015). Collection method: clinical testing. Allele origin: germline.
Comment: This sequence change replaces lysine, which is basic and polar, with asparagine, which is neutral and polar, at codon 74 of the NLRC4 protein (p.Lys74Asn). This variant is present in population databases (rs549981671, gnomAD 0.05%). This variant has not been reported in the literature in individuals affected with NLRC4-related conditions. ClinVar contains an entry for this variant (Variation ID: 1422494). Invitae Evidence Modeling of protein sequence and biophysical properties (such as structural, functional, and spatial information, amino acid conservation, physicochemical variation, residue mobility, and thermodynamic stability) indicates that this missense variant is not expected to disrupt NLRC4 protein function with a negative predictive value of 80%. In summary, the available evidence is currently insufficient to determine the role of this variant in disease. Therefore, it has been classified as a Variant of Uncertain Significance.

NM_001199138.2(NLRC4):c.222G>C (p.Lys74Asn)

Gene: NLRC4 (NLR family CARD domain containing 4; minus strand). Cytogenetic location: 2p22.3.
Variant type: single nucleotide variant.
Coding change: c.222G>C on transcript NM_001199138.2 (MANE Select); coding-DNA position 222, G replaced by C.
Protein change: p.Lys74Asn; replaces lysine 74 with asparagine.
Molecular consequence: missense variant.
Genome position (GRCh38, 1-based): chr2:32,252,459, C>G on the plus strand (G>C on the coding strand, the complement: NLRC4 is on the minus strand). VCF-style: chr2-32252459-C-G. GRCh37 (hg19) VCF-style: chr2-32477528-C-G.
Other names: c.222G>C, p.Lys74Asn (NM_021209.5, NM_001199139.2, NM_001302504.2); short protein forms K74N.
Identifiers: ClinVar variation 1422494 (VCV001422494.8), dbSNP rs549981671, ClinGen allele CA1602198.